The following is an entry in ClinVar:

NM_001375567.1(FOCAD):c.2113A>G (p.Ile705Val)

Gene: FOCAD (focadhesin; plus strand). Cytogenetic location: 9p21.3.
Variant type: single nucleotide variant.
Coding change: c.2113A>G on transcript NM_001375567.1 (MANE Select); coding-DNA position 2113, A replaced by G.
Protein change: p.Ile705Val; replaces isoleucine 705 with valine.
Molecular consequence: missense variant.
Genome position (GRCh38, 1-based): chr9:20,866,935, A>G. VCF-style: chr9-20866935-A-G. GRCh37 (hg19) VCF-style: chr9-20866934-A-G.
Other names: c.2113A>G (NM_017794.4, NM_017794.3); c.2008A>G, p.Ile670Val (NM_001375568.1, NM_001375570.1); c.2113A>G, p.Ile705Val (NM_017794.5); short protein forms I705V, I670V.
Identifiers: ClinVar variation 2713842 (VCV002713842.7), dbSNP rs140545759, ClinGen allele CA5006998.
Genomic context (GRCh38, chr9:20,866,935, plus strand): 5'-TTTTGTTTGCTTGCTTTTTTTTTTTTTTTTTTTTTTTTTTTTTACCCTATCTAGGACCCA[A>G]TTGTAGCAAATGCTGCATATAGATCCCTGGCCAACTTTAGTGCAGGAGAACACACCATTC-3'
Protein context (NP_001362496.1, residues 695-715): LWTHTQNKDP[Ile705Val]VANAAYRSLA

ClinVar aggregate classification (germline): Likely benign. Review status: criteria provided, multiple submitters, no conflicts (2 of 4 stars). 3 submissions from 3 submitters: Likely benign (2). 1 of the submissions does not count toward it. Last evaluated 2026-01-13.

Conditions:
Inborn genetic diseases. Identifiers: MedGen C0950123, MeSH D030342.
FOCAD-related disorder. Also called: FOCAD-related condition.

Allele frequency attached by ClinVar (database versions not stated): gnomAD exomes 0.00021; ExAC 0.00038; 1000 Genomes Project 30x 0.00078; 1000 Genomes Project 0.00080; ESP Exome Variant Server 0.00100; gnomAD 0.00127; TOPMed 0.00131.
gnomAD v4.1: 284 of 848,122 alleles (0.033%); highest among the groups gnomAD compares: African/African-American, 0.44%; 1 homozygote.

Submissions (4):

Labcorp Genetics (formerly Invitae), Labcorp
Classification: Likely benign. Last evaluated: 2026-01-13. Review status: criteria provided, single submitter. Criteria: Invitae Variant Classification Sherloc (09022015). Collection method: clinical testing. Allele origin: germline.

Ambry Genetics
Classification: Likely benign for Inborn genetic diseases. Last evaluated: 2024-02-14. Review status: criteria provided, single submitter. Criteria: Ambry Variant Classification Scheme 2023. Collection method: clinical testing. Allele origin: germline.

PreventionGenetics, part of Exact Sciences
Classification: Likely benign for FOCAD-related condition. Last evaluated: 2023-12-19. Review status: no assertion criteria provided. Collection method: clinical testing. Allele origin: germline. Not counted in ClinVar's aggregate classification.
Comment: This variant is classified as likely benign based on ACMG/AMP sequence variant interpretation guidelines (Richards et al. 2015 PMID: 25741868, with internal and published modifications).

Dr. Peter K. Rogan Lab, Western University
No classification provided (evidence only). Condition: Hepatocellular carcinoma. Review status: no classification provided. Collection method: in vitro. Allele origin: not applicable. Functional consequence: retained intron. Not counted in ClinVar's aggregate classification.